The following is an entry in ClinVar:

ClinVar aggregate classification (germline): Uncertain significance. Review status: criteria provided, multiple submitters, no conflicts (2 of 4 stars). 2 submissions from 2 submitters: Uncertain significance (2). Last evaluated 2024-11-04.

Conditions:
Rubinstein-Taybi syndrome (RSTS). Identifiers: Orphanet 783, MedGen C0035934, MONDO:0019188.

Submissions (2):

Blueprint Genetics
Classification: Uncertain significance. Last evaluated: 2024-11-04. Review status: criteria provided, single submitter. Criteria: ACMG Guidelines, 2015. Collection method: clinical testing. Allele origin: germline.

Labcorp Genetics (formerly Invitae), Labcorp
Classification: Uncertain significance for Rubinstein-Taybi syndrome. Last evaluated: 2023-12-20. Review status: criteria provided, single submitter. Criteria: Invitae Variant Classification Sherloc (09022015). Collection method: clinical testing. Allele origin: germline.
Comment: This sequence change replaces proline, which is neutral and non-polar, with threonine, which is neutral and polar, at codon 2371 of the CREBBP protein (p.Pro2371Thr). This variant is not present in population databases (gnomAD no frequency). This variant has not been reported in the literature in individuals affected with CREBBP-related conditions. Advanced modeling of protein sequence and biophysical properties (such as structural, functional, and spatial information, amino acid conservation, physicochemical variation, residue mobility, and thermodynamic stability) has been performed at Invitae for this missense variant, however the output from this modeling did not meet the statistical confidence thresholds required to predict the impact of this variant on CREBBP protein function. In summary, the available evidence is currently insufficient to determine the role of this variant in disease. Therefore, it has been classified as a Variant of Uncertain Significance.

NM_004380.3(CREBBP):c.7111C>A (p.Pro2371Thr)

Gene: CREBBP (CREB binding lysine acetyltransferase; minus strand). Cytogenetic location: 16p13.3.
Variant type: single nucleotide variant.
Coding change: c.7111C>A on transcript NM_004380.3 (MANE Select); coding-DNA position 7111, C replaced by A.
Protein change: p.Pro2371Thr; replaces proline 2371 with threonine.
Molecular consequence: missense variant.
Genome position (GRCh38, 1-based): chr16:3,727,936, G>T on the plus strand (C>A on the coding strand, the complement: CREBBP is on the minus strand). VCF-style: chr16-3727936-G-T. GRCh37 (hg19) VCF-style: chr16-3777937-G-T.
Other names: c.6997C>A, p.Pro2333Thr (NM_001079846.1); short protein forms P2371T, P2333T.
Identifiers: ClinVar variation 2910741 (VCV002910741.4), dbSNP rs1596780926, ClinGen allele CA394550512.